The following is an entry in ClinVar:

ClinVar aggregate classification (germline): Uncertain significance. Review status: criteria provided, multiple submitters, no conflicts (2 of 4 stars). 5 submissions from 5 submitters: Uncertain significance (5). Last evaluated 2025-09-11.

Conditions:
CDC73-related disorder. Also called: CDC73-related condition; CDC73-related disorders. Identifiers: MedGen CN169292.
Hereditary cancer-predisposing syndrome. Also called: Neoplastic Syndromes, Hereditary; Tumor predisposition; Hereditary neoplastic syndrome; Hereditary Cancer Syndrome. Identifiers: Orphanet 140162, MedGen C0027672, MeSH D009386, MONDO:0015356.
Hyperparathyroidism 1 (HRPT1). Also called: HYPERPARATHYROIDISM, FAMILIAL ISOLATED PRIMARY. Identifiers: Orphanet 99879, MedGen C1840402, MONDO:0007767, OMIM 145000.
Parathyroid carcinoma (PRTC). Also called: Parathyroid gland carcinoma; CDC73-Related Parathyroid Carcinoma. Identifiers: Orphanet 143, MedGen C0687150, MONDO:0012004, OMIM 608266, HP:0006780.
Hyperparathyroidism 2 with jaw tumors. Also called: Hyperparathyroidism 2; Hyperparathyroidism-Jaw Tumor Syndrome; HYPERPARATHYROIDISM, FAMILIAL PRIMARY, WITH MULTIPLE OSSIFYING JAW FIBROMAS; HYPERPARATHYROIDISM-JAW TUMOR SYNDROME, HEREDITARY. Identifiers: Orphanet 99880, MedGen C1704981, MONDO:0007768, OMIM 145001.

Allele frequency attached by ClinVar (database versions not stated): ExAC 0.00002; TOPMed 0.00002; gnomAD 0.00001; gnomAD exomes 0.00001.
gnomAD v4.1: 23 of 1,612,812 alleles (0.0014%); highest among the groups gnomAD compares: Non-Finnish European, 0.0019%; no homozygotes.

Submissions (5):

Labcorp Genetics (formerly Invitae), Labcorp
Classification: Uncertain significance for Parathyroid carcinoma. Last evaluated: 2025-09-11. Review status: criteria provided, single submitter. Criteria: Invitae Variant Classification Sherloc (09022015). Collection method: clinical testing. Allele origin: germline.
Comment: This sequence change replaces arginine, which is basic and polar, with glutamine, which is neutral and polar, at codon 268 of the CDC73 protein (p.Arg268Gln). This variant is present in population databases (rs750706815, gnomAD 0.004%). This variant has not been reported in the literature in individuals affected with CDC73-related conditions. ClinVar contains an entry for this variant (Variation ID: 462767). Invitae Evidence Modeling of protein sequence and biophysical properties (such as structural, functional, and spatial information, amino acid conservation, physicochemical variation, residue mobility, and thermodynamic stability) indicates that this missense variant is not expected to disrupt CDC73 protein function with a negative predictive value of 80%. In summary, the available evidence is currently insufficient to determine the role of this variant in disease. Therefore, it has been classified as a Variant of Uncertain Significance.

Ambry Genetics
Classification: Uncertain significance for Hereditary cancer-predisposing syndrome. Last evaluated: 2024-11-21. Review status: criteria provided, single submitter. Criteria: Ambry Variant Classification Scheme 2023. Collection method: clinical testing. Allele origin: germline.
Comment: The p.R268Q variant (also known as c.803G>A), located in coding exon 8 of the CDC73 gene, results from a G to A substitution at nucleotide position 803. The arginine at codon 268 is replaced by glutamine, an amino acid with highly similar properties. This amino acid position is highly conserved in available vertebrate species. In addition, this alteration is predicted to be tolerated by in silico analysis. Based on the available evidence, the clinical significance of this variant remains unclear.

Fulgent Genetics
Classification: Uncertain significance for Hyperparathyroidism 1; Hyperparathyroidism 2 with jaw tumors; Parathyroid carcinoma. Last evaluated: 2024-05-07. Review status: criteria provided, single submitter. Criteria: ACMG Guidelines, 2015. Collection method: clinical testing. Allele origin: germline.

Baylor Genetics
Classification: Uncertain significance for Hyperparathyroidism 1. Last evaluated: 2024-03-07. Review status: criteria provided, single submitter. Criteria: ACMG Guidelines, 2015. Collection method: clinical testing. Allele origin: unknown.

PreventionGenetics, part of Exact Sciences
Classification: Uncertain significance for CDC73-related condition. Last evaluated: 2023-02-01. Review status: criteria provided, single submitter. Criteria: ACMG Guidelines, 2015. Collection method: clinical testing. Allele origin: germline.
Comment: The CDC73 c.803G>A variant is predicted to result in the amino acid substitution p.Arg268Gln. To our knowledge, this variant has not been reported in the literature. This variant is reported in 0.0026% of alleles in individuals of European (Non-Finnish) descent in gnomAD, and has been classified as uncertain in the ClinVar database. At this time, the clinical significance of this variant is uncertain due to the absence of conclusive functional and genetic evidence.

NM_024529.5(CDC73):c.803G>A (p.Arg268Gln)

Gene: CDC73 (cell division cycle 73; plus strand). Cytogenetic location: 1q31.2.
Variant type: single nucleotide variant.
Coding change: c.803G>A on transcript NM_024529.5 (MANE Select); coding-DNA position 803, G replaced by A.
Protein change: p.Arg268Gln; replaces arginine 268 with glutamine.
Molecular consequence: missense variant.
Genome position (GRCh38, 1-based): chr1:193,147,940, G>A. VCF-style: chr1-193147940-G-A. GRCh37 (hg19) VCF-style: chr1-193117070-G-A.
Other names: short protein forms R268Q.
Identifiers: ClinVar variation 462767 (VCV000462767.19), dbSNP rs750706815, ClinGen allele CA1303462.
Genomic context (GRCh38, chr1:193,147,940, plus strand): 5'-ACATTTTTGCAATTCTTCAATCTGTAAAAGCCAGAGAAGAAGGGCGTGCACCTGAACAGC[G>A]ACCTGCCCCAAATGCAGCACCTGTGGTAAGAATGCTTTACTGCTTTACAGTAGATTTAAT-3'
Protein context (NP_078805.3, residues 258-278): AREEGRAPEQ[Arg268Gln]PAPNAAPVDP